The following is an entry in ClinVar:

NM_006348.5(COG5):c.835+4T>C

Gene: COG5 (component of oligomeric golgi complex 5; minus strand). Cytogenetic location: 7q22.3.
Variant type: single nucleotide variant.
Coding change: c.835+4T>C on transcript NM_006348.5 (MANE Select); 4 bases into the intron after coding-DNA position 835, T replaced by C.
Molecular consequence: intron variant.
Genome position (GRCh38, 1-based): chr7:107,372,591, A>G on the plus strand (T>C on the coding strand, the complement: COG5 is on the minus strand). VCF-style: chr7-107372591-A-G. GRCh37 (hg19) VCF-style: chr7-107013036-A-G.
Other names: c.235-10481T>C (NM_001379516.1); c.539-74245T>C (NM_001379515.1); c.835+4T>C (NM_001379511.1, NM_001379512.1, NM_181733.4 and 3 more transcripts).
Identifiers: ClinVar variation 1393403 (VCV001393403.6), dbSNP rs915388047, ClinGen allele CA164705180.

ClinVar aggregate classification (germline): Uncertain significance (1 of 4 stars; one submission).

Conditions:
COG5-congenital disorder of glycosylation. Also called: CDG IIi; CONGENITAL DISORDER OF GLYCOSYLATION, TYPE IIi; COG5-CDG. Identifiers: Orphanet 263487, MedGen C3150876, MONDO:0013325, OMIM 613612.

Allele frequency attached by ClinVar (database versions not stated): gnomAD exomes below 0.00001.
gnomAD v4.1: 1 of 1,613,212 alleles (0.000062%); highest among the groups gnomAD compares: East Asian, 0.0022%; no homozygotes.

Submission:

Labcorp Genetics (formerly Invitae), Labcorp
Classification: Uncertain significance for COG5-congenital disorder of glycosylation. Last evaluated: 2021-05-06. Review status: criteria provided, single submitter. Criteria: Invitae Variant Classification Sherloc (09022015). Collection method: clinical testing. Allele origin: germline.
Comment: In summary, the available evidence is currently insufficient to determine the role of this variant in disease. Therefore, it has been classified as a Variant of Uncertain Significance. Nucleotide substitutions within the consensus splice site are a relatively common cause of aberrant splicing (PMID: 17576681, 9536098). Algorithms developed to predict the effect of sequence changes on RNA splicing suggest that this variant is not likely to affect RNA splicing, but this prediction has not been confirmed by published transcriptional studies. This variant has not been reported in the literature in individuals with COG5-related conditions. This variant is not present in population databases (ExAC no frequency). This sequence change falls in intron 8 of the COG5 gene. It does not directly change the encoded amino acid sequence of the COG5 protein. It affects a nucleotide within the consensus splice site of the intron.

Literature cited by the submitters: PubMed 17576681; PubMed 9536098.